The following is an entry in ClinVar:

NM_014762.4(DHCR24):c.*1488C>T

Gene: DHCR24 (24-dehydrocholesterol reductase; minus strand). Cytogenetic location: 1p32.3.
Variant type: single nucleotide variant.
Coding change: c.*1488C>T on transcript NM_014762.4 (MANE Select); 1488 bases downstream of the stop codon, C replaced by T.
Molecular consequence: 3 prime UTR variant.
Genome position (GRCh38, 1-based): chr1:54,850,745, G>A on the plus strand (C>T on the coding strand, the complement: DHCR24 is on the minus strand). VCF-style: chr1-54850745-G-A. GRCh37 (hg19) VCF-style: chr1-55316418-G-A.
Identifiers: ClinVar variation 297627 (VCV000297627.6), dbSNP rs8990, ClinGen allele CA10611393.
Genomic context (GRCh38, chr1:54,850,745, plus strand): 5'-AATCCCCAAGTGTCCACTGGATCATTTTTCCTCTGACTTTCCACACAAATGAGGCTTTCC[G>A]TGGGTTTTGCAACCACAGTGTCTAAGACAATCAGAAGGGTTCCAGGGAGGTCTTGTCTGT-3'

ClinVar aggregate classification (germline): Benign. Review status: criteria provided, multiple submitters, no conflicts (2 of 4 stars). 2 submissions from 2 submitters: Benign (2). Last evaluated 2018-01-13.

Conditions:
Desmosterolosis. Identifiers: Orphanet 35107, MedGen C1865596, MONDO:0011217, OMIM 602398.

Allele frequency attached by ClinVar (database versions not stated): gnomAD exomes 0.25000; 1000 Genomes Project 30x 0.06230; gnomAD 0.07752 and 0.07841; 1000 Genomes Project 0.06070; TOPMed 0.08339.
gnomAD v4.1: 11,806 of 152,268 alleles (7.8%); highest among the groups gnomAD compares: Admixed American, 11%; 541 homozygotes.

Submissions (2):

Illumina Laboratory Services, Illumina
Classification: Benign for Desmosterolosis. Last evaluated: 2018-01-13. Review status: criteria provided, single submitter. Criteria: ICSL Variant Classification Criteria 13 December 2019. Collection method: clinical testing. Allele origin: germline.
Comment: This variant was observed in the ICSL laboratory as part of a predisposition screen in an ostensibly healthy population. It had not been previously curated by ICSL or reported in the Human Gene Mutation Database (HGMD: prior to June 1st, 2018), and was therefore a candidate for classification through an automated scoring system. Utilizing variant allele frequency, disease prevalence and penetrance estimates, and inheritance mode, an automated score was calculated to assess if this variant is too frequent to cause the disease. Based on the score and internal cut-off values, a variant classified as benign is not then subjected to further curation. The score for this variant resulted in a classification of benign for this disease.

Breakthrough Genomics
Classification: Benign. Review status: criteria provided, single submitter. Criteria: ACMG Guidelines, 2015. Collection method: not provided. Allele origin: germline. Inheritance: Autosomal recessive inheritance. Affected: yes.